The following is an entry in ClinVar:

NM_005518.4(HMGCS2):c.1421-217A>C

Gene: HMGCS2 (3-hydroxy-3-methylglutaryl-CoA synthase 2; minus strand). Cytogenetic location: 1p12.
Variant type: single nucleotide variant.
Coding change: c.1421-217A>C on transcript NM_005518.4 (MANE Select); 217 bases into the intron before coding-DNA position 1421, A replaced by C.
Molecular consequence: intron variant.
Genome position (GRCh38, 1-based): chr1:119,751,125, T>G on the plus strand (A>C on the coding strand, the complement: HMGCS2 is on the minus strand). VCF-style: chr1-119751125-T-G. GRCh37 (hg19) VCF-style: chr1-120293748-T-G.
Other names: c.1295-217A>C (NM_001166107.1).
Identifiers: ClinVar variation 684188 (VCV000684188.2), dbSNP rs566864, ClinGen allele CA30269357.

ClinVar aggregate classification (germline): Benign. Review status: criteria provided, multiple submitters, no conflicts (2 of 4 stars). 2 submissions from 2 submitters: Benign (2). Last evaluated 2018-06-14.

Allele frequency attached by ClinVar (database versions not stated): gnomAD 0.70243 and 0.70491; TOPMed 0.71398; 1000 Genomes Project 30x 0.72455; 1000 Genomes Project 0.72544.
gnomAD v4.1: 107,070 of 151,974 alleles (70%); highest among the groups gnomAD compares: Middle Eastern, 83%; 37,952 homozygotes.

Submissions (2):

GeneDx
Classification: Benign. Last evaluated: 2018-06-14. Review status: criteria provided, single submitter. Criteria: GeneDx Variant Classification (06012015). Collection method: clinical testing. Allele origin: germline. Affected: yes.
Comment: This variant is considered likely benign or benign based on one or more of the following criteria: it is a conservative change, it occurs at a poorly conserved position in the protein, it is predicted to be benign by multiple in silico algorithms, and/or has population frequency not consistent with disease.

Breakthrough Genomics
Classification: Benign. Review status: criteria provided, single submitter. Criteria: ACMG Guidelines, 2015. Collection method: not provided. Allele origin: germline. Inheritance: Autosomal recessive inheritance. Affected: yes.